The following is an entry in ClinVar:

NM_001164508.2(NEB):c.206G>A (p.Arg69Lys)

Gene: NEB (nebulin; minus strand). Cytogenetic location: 2q23.3.
Variant type: single nucleotide variant.
Coding change: c.206G>A on transcript NM_001164508.2 (MANE Select); coding-DNA position 206, G replaced by A.
Protein change: p.Arg69Lys; replaces arginine 69 with lysine.
Molecular consequence: missense variant.
Genome position (GRCh38, 1-based): chr2:151,727,779, C>T on the plus strand (G>A on the coding strand, the complement: NEB is on the minus strand). VCF-style: chr2-151727779-C-T. GRCh37 (hg19) VCF-style: chr2-152584293-C-T.
Other names: c.206G>A, p.Arg69Lys (NM_001271208.2, NM_004543.5, NM_001164507.2); short protein forms R69K.
Identifiers: ClinVar variation 3004803 (VCV003004803.4), dbSNP rs1299743556, ClinGen allele CA348795137.

ClinVar aggregate classification (germline): Conflicting classifications of pathogenicity. Review status: criteria provided, conflicting classifications (1 of 4 stars). 2 submissions from 2 submitters: Uncertain significance (1); Likely benign (1). Last evaluated 2024-05-05.

Conditions:
Nemaline myopathy 2 (NEM2). Also called: Nemaline myopathy 2, autosomal recessive. Identifiers: MedGen C1850569, MONDO:0009725, OMIM 256030.

Allele frequency attached by ClinVar (database versions not stated): gnomAD exomes below 0.00001.
gnomAD v4.1: 1 of 1,613,678 alleles (0.000062%); highest among the groups gnomAD compares: African/African-American, 0.0013%; no homozygotes.

Submissions (2):

GeneDx
Classification: Uncertain significance. Last evaluated: 2024-05-05. Review status: criteria provided, single submitter. Criteria: GeneDx Variant Classification Process June 2021. Collection method: clinical testing. Allele origin: germline. Affected: yes.
Comment: Not observed at significant frequency in large population cohorts (gnomAD); In silico analysis indicates that this missense variant does not alter protein structure/function; Has not been previously published as pathogenic or benign to our knowledge

Labcorp Genetics (formerly Invitae), Labcorp
Classification: Likely benign for Nemaline myopathy 2. Last evaluated: 2023-12-11. Review status: criteria provided, single submitter. Criteria: Invitae Variant Classification Sherloc (09022015). Collection method: clinical testing. Allele origin: germline.